The following is an entry in ClinVar:

ClinVar aggregate classification (germline): Uncertain significance (1 of 4 stars; one submission).

Conditions:
Facioscapulohumeral muscular dystrophy 2 (FSHD2). Also called: FACIOSCAPULOHUMERAL MUSCULAR DYSTROPHY 2, DIGENIC; FSHD2, DIGENIC; MUSCULAR DYSTROPHY, FACIOSCAPULOHUMERAL, TYPE 1B. Identifiers: Orphanet 269, MedGen C1834671, MONDO:0008031, OMIM 158901.

Submission:

Labcorp Genetics (formerly Invitae), Labcorp
Classification: Uncertain significance for Facioscapulohumeral muscular dystrophy 2. Last evaluated: 2022-08-17. Review status: criteria provided, single submitter. Criteria: Invitae Variant Classification Sherloc (09022015). Collection method: clinical testing. Allele origin: germline.
Comment: In summary, the available evidence is currently insufficient to determine the role of this variant in disease. Therefore, it has been classified as a Variant of Uncertain Significance. Algorithms developed to predict the effect of missense changes on protein structure and function (SIFT, PolyPhen-2, Align-GVGD) all suggest that this variant is likely to be disruptive. This variant has not been reported in the literature in individuals affected with SMCHD1-related conditions. This variant is not present in population databases (gnomAD no frequency). This sequence change replaces valine, which is neutral and non-polar, with aspartic acid, which is acidic and polar, at codon 390 of the SMCHD1 protein (p.Val390Asp).

NM_015295.3(SMCHD1):c.1169T>A (p.Val390Asp)

Gene: SMCHD1 (structural maintenance of chromosomes flexible hinge domain containing 1; plus strand). Cytogenetic location: 18p11.32.
Variant type: single nucleotide variant.
Coding change: c.1169T>A on transcript NM_015295.3 (MANE Select); coding-DNA position 1169, T replaced by A.
Protein change: p.Val390Asp; replaces valine 390 with aspartic acid.
Molecular consequence: missense variant.
Genome position (GRCh38, 1-based): chr18:2,697,868, T>A. VCF-style: chr18-2697868-T-A. GRCh37 (hg19) VCF-style: chr18-2697866-T-A.
Other names: short protein forms V390D.
Identifiers: ClinVar variation 2066005 (VCV002066005.4), dbSNP rs2074317387, ClinGen allele CA401696985.